The following is an entry in ClinVar:

NM_001166108.2(PALLD):c.2808T>A (p.Asp936Glu)

Genes: CBR4 (carbonyl reductase 4; minus strand), PALLD (palladin, cytoskeletal associated protein; plus strand). Cytogenetic location: 4q32.3.
Variant type: single nucleotide variant.
Coding change: c.2808T>A on transcript NM_001166108.2 (MANE Select); coding-DNA position 2808, T replaced by A.
Protein change: p.Asp936Glu; replaces aspartic acid 936 with glutamic acid.
Molecular consequence: missense variant.
Genome position (GRCh38, 1-based): chr4:168,915,985, T>A. VCF-style: chr4-168915985-T-A. GRCh37 (hg19) VCF-style: chr4-169837136-T-A.
Other names: c.1611T>A, p.Asp537Glu (NM_001166109.2); c.1296T>A, p.Asp432Glu (NM_001166110.2); c.636T>A, p.Asp212Glu (NM_001367567.1, NM_001367569.1); c.687T>A, p.Asp229Glu (NM_001367568.1, NM_001367570.1); c.2757T>A, p.Asp919Glu (NM_016081.4); short protein forms D936E, D432E, D537E, D919E, D212E, D229E.
Identifiers: ClinVar variation 2044530 (VCV002044530.4), dbSNP rs2534079772, ClinGen allele CA358706853.

ClinVar aggregate classification (germline): Uncertain significance (1 of 4 stars; one submission).

Conditions:
Pancreatic adenocarcinoma. Identifiers: MedGen C0281361, MONDO:0006047, HP:0006725.

Submission:

Labcorp Genetics (formerly Invitae), Labcorp
Classification: Uncertain significance for Pancreatic adenocarcinoma. Last evaluated: 2021-12-16. Review status: criteria provided, single submitter. Criteria: Invitae Variant Classification Sherloc (09022015). Collection method: clinical testing. Allele origin: germline.
Comment: This sequence change replaces aspartic acid, which is acidic and polar, with glutamic acid, which is acidic and polar, at codon 432 of the PALLD protein (p.Asp432Glu). This variant is not present in population databases (gnomAD no frequency). This variant has not been reported in the literature in individuals affected with PALLD-related conditions. Algorithms developed to predict the effect of missense changes on protein structure and function are either unavailable or do not agree on the potential impact of this missense change (SIFT: "Deleterious"; PolyPhen-2: "Benign"; Align-GVGD: "Class C35"). In summary, the available evidence is currently insufficient to determine the role of this variant in disease. Therefore, it has been classified as a Variant of Uncertain Significance.